The following is an entry in ClinVar:

ClinVar aggregate classification (germline): Benign. Review status: criteria provided, single submitter (1 of 4 stars). 2 submissions from 2 submitters: Benign (1). 1 of the submissions does not count toward it. Last evaluated 2022-04-14.

Conditions:
ARHGEF10-related disorder. Also called: ARHGEF10-related condition.

Submissions (2):

Labcorp Genetics (formerly Invitae), Labcorp
Classification: Benign. Last evaluated: 2022-04-14. Review status: criteria provided, single submitter. Criteria: Invitae Variant Classification Sherloc (09022015). Collection method: clinical testing. Allele origin: germline.

PreventionGenetics, part of Exact Sciences
Classification: Likely benign for ARHGEF10-related condition. Last evaluated: 2019-08-15. Review status: no assertion criteria provided. Collection method: clinical testing. Allele origin: germline. Not counted in ClinVar's aggregate classification.
Comment: This variant is classified as likely benign based on ACMG/AMP sequence variant interpretation guidelines (Richards et al. 2015 PMID: 25741868, with internal and published modifications).

NM_014629.4(ARHGEF10):c.1076-4del

Gene: ARHGEF10 (Rho guanine nucleotide exchange factor 10; plus strand). Cytogenetic location: 8p23.3.
Variant type: Deletion.
Coding change: c.1076-4del on transcript NM_014629.4 (MANE Select); 4 bases into the intron before coding-DNA position 1076, one base deleted (T; older notation c.1076-4delT).
Molecular consequence: intron variant.
Genome position (GRCh38, 1-based): chr8:1,885,597, T deleted; the last of 9 consecutive T bases (chr8:1,885,589-1,885,597); deleting any one gives the same sequence. VCF-style (leftmost placement, unchanged base first): chr8-1885588-CT-C. GRCh37 (hg19) VCF-style: chr8-1833754-CT-C.
Other names: c.962-4del (NM_001438092.1, NM_001308152.2, NM_001438094.1); c.1079-4del (NM_001438091.1, NM_001308153.3); c.959-4del (NM_001438093.1).
Identifiers: ClinVar variation 1902883 (VCV001902883.7), dbSNP rs768362270, ClinGen allele CA4600204.